The following is an entry in ClinVar:

ClinVar aggregate classification (germline): Conflicting classifications of pathogenicity. Review status: criteria provided, conflicting classifications (1 of 4 stars). 3 submissions from 3 submitters: Uncertain significance (1); Benign (2). Last evaluated 2026-01-28.

Conditions:
Macular corneal dystrophy (MCD). Also called: Macular corneal dystrophy Type I; GROENOUW TYPE II CORNEAL DYSTROPHY. Identifiers: Orphanet 98969, MedGen C1636149, MONDO:0009020, OMIM 217800.

Allele frequency attached by ClinVar (database versions not stated): gnomAD 0.00101 and 0.00163; TOPMed 0.00108; ESP Exome Variant Server 0.00123; 1000 Genomes Project 0.00319; 1000 Genomes Project 30x 0.00390; ExAC 0.00419.
gnomAD v4.1: 3,744 of 1,613,470 alleles (0.23%); highest among the groups gnomAD compares: South Asian, 2.6%; 65 homozygotes.

Submissions (3):

Labcorp Genetics (formerly Invitae), Labcorp
Classification: Benign for Macular corneal dystrophy. Last evaluated: 2026-01-28. Review status: criteria provided, single submitter. Criteria: Invitae Variant Classification Sherloc (09022015). Collection method: clinical testing. Allele origin: germline.

Illumina Laboratory Services, Illumina
Classification: Uncertain significance for Macular corneal dystrophy. Last evaluated: 2017-04-27. Review status: criteria provided, single submitter. Criteria: ICSL Variant Classification Criteria 13 December 2019. Collection method: clinical testing. Allele origin: germline.
Comment: This variant was observed as part of a predisposition screen in an ostensibly healthy population. A literature search was performed for the gene, cDNA change, and amino acid change (where applicable). Publications were found based on this search. However, the evidence from the literature, in combination with allele frequency data from public databases where available, was not sufficient to rule this variant in or out of causing disease. Therefore, this variant is classified as a variant of unknown significance.

Eurofins Ntd Llc (ga)
Classification: Benign. Last evaluated: 2017-02-08. Review status: criteria provided, single submitter. Criteria: EGL Classification Definitions 2015. Collection method: clinical testing. Allele origin: germline. Observed: 1 variant allele, 1 heterozygote.

Literature cited by the submitters: PubMed 15953452 (cited by Illumina Laboratory Services, Illumina and Eurofins Ntd Llc (ga)).

NM_021615.5(CHST6):c.993G>T (p.Gln331His)

Gene: CHST6 (carbohydrate sulfotransferase 6; minus strand). Cytogenetic location: 16q23.1.
Variant type: single nucleotide variant.
Coding change: c.993G>T on transcript NM_021615.5 (MANE Select); coding-DNA position 993, G replaced by T.
Protein change: p.Gln331His; replaces glutamine 331 with histidine.
Molecular consequence: missense variant.
Genome position (GRCh38, 1-based): chr16:75,478,836, C>A on the plus strand (G>T on the coding strand, the complement: CHST6 is on the minus strand). VCF-style: chr16-75478836-C-A. GRCh37 (hg19) VCF-style: chr16-75512734-C-A.
Other names: short protein forms Q331H.
Identifiers: ClinVar variation 196507 (VCV000196507.20), dbSNP rs140699573, ClinGen allele CA243479.